The following is an entry in ClinVar:

ClinVar aggregate classification (germline): Likely pathogenic (1 of 4 stars; one submission).

Submission:

Labcorp Genetics (formerly Invitae), Labcorp
Classification: Likely pathogenic. Last evaluated: 2025-12-19. Review status: criteria provided, single submitter. Criteria: Invitae Variant Classification Sherloc (09022015). Collection method: clinical testing. Allele origin: germline.
Comment: This sequence change replaces glutamic acid, which is acidic and polar, with aspartic acid, which is acidic and polar, at codon 450 of the MYO7A protein (p.Glu450Asp). This variant is not present in population databases (gnomAD no frequency). This variant has not been reported in the literature in individuals affected with MYO7A-related conditions. Invitae Evidence Modeling of protein sequence and biophysical properties (such as structural, functional, and spatial information, amino acid conservation, physicochemical variation, residue mobility, and thermodynamic stability) indicates that this missense variant is expected to disrupt MYO7A protein function with a positive predictive value of 95%. This variant disrupts the p.Glu450 amino acid residue in MYO7A. Other variant(s) that disrupt this residue have been determined to be pathogenic (PMID: 8900236; internal data). This suggests that this residue is clinically significant, and that variants that disrupt this residue are likely to be disease-causing. In summary, the currently available evidence indicates that the variant is pathogenic, but additional data are needed to prove that conclusively. Therefore, this variant has been classified as Likely Pathogenic.

Literature cited by the submitters: PubMed 8900236.

NM_000260.4(MYO7A):c.1350G>T (p.Glu450Asp)

Gene: MYO7A (myosin VIIA; plus strand). Cytogenetic location: 11q13.5.
Variant type: single nucleotide variant.
Coding change: c.1350G>T on transcript NM_000260.4 (MANE Select); coding-DNA position 1350, G replaced by T.
Protein change: p.Glu450Asp; replaces glutamic acid 450 with aspartic acid.
Molecular consequence: missense variant.
Genome position (GRCh38, 1-based): chr11:77,162,126, G>T. VCF-style: chr11-77162126-G-T. GRCh37 (hg19) VCF-style: chr11-76873172-G-T.
Other names: c.1350G>T, p.Glu450Asp (NM_001127180.2); c.1317G>T, p.Glu439Asp (NM_001369365.1); short protein forms E439D, E450D.
Identifiers: ClinVar variation 4800477 (VCV004800477.1).